The following is an entry in ClinVar:

ClinVar aggregate classification (germline): Uncertain significance (1 of 4 stars; one submission).

Submission:

CeGaT Center for Human Genetics Tuebingen
Classification: Uncertain significance. Last evaluated: 2023-11-01. Review status: criteria provided, single submitter. Criteria: CeGaT Center For Human Genetics Tuebingen Variant Classification Criteria Version 2. Collection method: clinical testing. Allele origin: germline. Affected: yes. Observed: 1 variant allele.
Comment: POU3F3: PM2, PP3

NM_006236.3(POU3F3):c.719C>G (p.Pro240Arg)

Gene: POU3F3 (POU class 3 homeobox 3; plus strand). Cytogenetic location: 2q12.1.
Variant type: single nucleotide variant.
Coding change: c.719C>G on transcript NM_006236.3 (MANE Select); coding-DNA position 719, C replaced by G.
Protein change: p.Pro240Arg; replaces proline 240 with arginine.
Molecular consequence: missense variant.
Genome position (GRCh38, 1-based): chr2:104,856,229, C>G. VCF-style: chr2-104856229-C-G. GRCh37 (hg19) VCF-style: chr2-105472687-C-G.
Other names: short protein forms P240R.
Identifiers: ClinVar variation 2672825 (VCV002672825.23), dbSNP rs2466875948, ClinGen allele CA348097352.